The following is an entry in ClinVar:

ClinVar aggregate classification (germline): Pathogenic (1 of 4 stars; one submission).

Conditions:
Hereditary cancer-predisposing syndrome. Also called: Neoplastic Syndromes, Hereditary; Tumor predisposition; Hereditary Cancer Syndrome; Hereditary neoplastic syndrome. Identifiers: Orphanet 140162, MedGen C0027672, MeSH D009386, MONDO:0015356.

Submission:

Ambry Genetics
Classification: Pathogenic for Hereditary cancer-predisposing syndrome. Last evaluated: 2026-05-22. Review status: criteria provided, single submitter. Criteria: Ambry Variant Classification Scheme 2023. Collection method: clinical testing. Allele origin: germline.
Comment: The c.2198_2199delCAinsTCG pathogenic mutation, located in coding exon 14 of the PTCH1 gene, results from the deletion of two nucleotides and insertion of 3 nucleotides causing a translational frameshift with a predicted alternate stop codon (p.S733Ffs*5). This variant was reported in individual(s) with features consistent with PTCH1-related nevoid basal cell carcinoma syndrome (citation; Ambry internal data). This variant is considered to be rare based on population cohorts in the Genome Aggregation Database (gnomAD). This variant is expected to result in loss of function by premature protein truncation or nonsense-mediated mRNA decay. As such, this variant is interpreted as a disease-causing mutation.

NM_000264.5(PTCH1):c.2198_2199delinsTCG (p.Ser733fs)

Genes: PTCH1 (patched 1; minus strand), LOC100507346 (uncharacterized LOC100507346; plus strand). Cytogenetic location: 9q22.32.
Variant type: Indel.
Coding change: c.2198_2199delinsTCG on transcript NM_000264.5 (MANE Select); coding-DNA positions 2198 to 2199, CA replaced by TCG.
Protein change: p.Ser733fs; shifts the reading frame from serine 733.
Molecular consequence: frameshift variant. On other transcripts: non-coding transcript variant (2).
Genome position (GRCh38, 1-based): chr9:95,468,802-95,468,803, TG replaced by CGA on the plus strand (CA replaced by TCG on the coding strand, the reverse complement: PTCH1 is on the minus strand). VCF-style: chr9-95468802-TG-CGA. GRCh37 (hg19) VCF-style: chr9-98231084-TG-CGA.
Other names: c.2000_2001delinsTCG, p.Ser667fs (NM_001083602.3); c.2195_2196delinsTCG, p.Ser732fs (NM_001083603.3); c.1745_1746delinsTCG, p.Ser582fs (NM_001083604.3, NM_001083605.3, NM_001083606.3 and 1 more transcripts); c.2042_2043delinsTCG, p.Ser681fs (NM_001354918.2); short protein forms S582fs, S667fs, S681fs, S732fs, S733fs.
Identifiers: ClinVar variation 4862696 (VCV004862696.1).